The following is an entry in ClinVar:

ClinVar aggregate classification (germline): Uncertain significance. Review status: criteria provided, multiple submitters, no conflicts (2 of 4 stars). 2 submissions from 2 submitters: Uncertain significance (2). Last evaluated 2022-08-15.

Conditions:
Inborn genetic diseases. Identifiers: MedGen C0950123, MeSH D030342.

Allele frequency attached by ClinVar (database versions not stated): gnomAD 0.00002; gnomAD exomes 0.00002 and 0.00006; TOPMed 0.00003; ExAC 0.00005; 1000 Genomes Project 30x 0.00016.
gnomAD v4.1: 33 of 1,551,534 alleles (0.0021%); highest among the groups gnomAD compares: Middle Eastern, 0.017%; no homozygotes.

Submissions (2):

Labcorp Genetics (formerly Invitae), Labcorp
Classification: Uncertain significance. Last evaluated: 2022-08-15. Review status: criteria provided, single submitter. Criteria: Invitae Variant Classification Sherloc (09022015). Collection method: clinical testing. Allele origin: germline.
Comment: This sequence change replaces arginine, which is basic and polar, with cysteine, which is neutral and slightly polar, at codon 2562 of the UNC80 protein (p.Arg2562Cys). This variant is present in population databases (rs200110572, gnomAD 0.01%). This variant has not been reported in the literature in individuals affected with UNC80-related conditions. ClinVar contains an entry for this variant (Variation ID: 1376324). Algorithms developed to predict the effect of missense changes on protein structure and function are either unavailable or do not agree on the potential impact of this missense change (SIFT: "Not Available"; PolyPhen-2: "Probably Damaging"; Align-GVGD: "Not Available"). In summary, the available evidence is currently insufficient to determine the role of this variant in disease. Therefore, it has been classified as a Variant of Uncertain Significance.

Ambry Genetics
Classification: Uncertain significance for Inborn genetic diseases. Last evaluated: 2021-12-08. Review status: criteria provided, single submitter. Criteria: Ambry Variant Classification Scheme 2023. Collection method: clinical testing. Allele origin: germline.

Literature cited by the submitters: PubMed 28191889 (cited by Ambry Genetics).

NM_001371986.1(UNC80):c.7882C>T (p.Arg2628Cys)

Gene: UNC80 (unc-80 homolog, NALCN channel complex subunit; plus strand). Cytogenetic location: 2q34.
Variant type: single nucleotide variant.
Coding change: c.7882C>T on transcript NM_001371986.1 (MANE Select); coding-DNA position 7882, C replaced by T.
Protein change: p.Arg2628Cys; replaces arginine 2628 with cysteine.
Molecular consequence: missense variant.
Genome position (GRCh38, 1-based): chr2:209,967,513, C>T. VCF-style: chr2-209967513-C-T. GRCh37 (hg19) VCF-style: chr2-210832237-C-T.
Other names: c.7684C>T, p.Arg2562Cys (NM_032504.2); c.7669C>T, p.Arg2557Cys (NM_182587.4); c.7684C>T (NM_032504.1); short protein forms R2562C, R2557C, R2628C.
Identifiers: ClinVar variation 1376324 (VCV001376324.4), dbSNP rs200110572, ClinGen allele CA2083511.